The following is an entry in ClinVar:

NM_018100.4(EFHC1):c.569C>T (p.Thr190Ile)

Gene: EFHC1 (EF-hand domain containing 1; plus strand). Cytogenetic location: 6p12.2.
Variant type: single nucleotide variant.
Coding change: c.569C>T on transcript NM_018100.4 (MANE Select); coding-DNA position 569, C replaced by T.
Protein change: p.Thr190Ile; replaces threonine 190 with isoleucine.
Molecular consequence: missense variant. On other transcripts: non-coding transcript variant (1).
Genome position (GRCh38, 1-based): chr6:52,438,587, C>T. VCF-style: chr6-52438587-C-T. GRCh37 (hg19) VCF-style: chr6-52303385-C-T.
Other names: c.512C>T, p.Thr171Ile (NM_001172420.2); short protein forms T171I, T190I.
Identifiers: ClinVar variation 1037327 (VCV001037327.10), dbSNP rs1430629936, ClinGen allele CA364458516.

ClinVar aggregate classification (germline): Uncertain significance (1 of 4 stars; one submission).

Conditions:
Absence seizure. Also called: Absence epilepsy. Identifiers: Orphanet 1941, MedGen C0014553.
Myoclonic epilepsy, juvenile, susceptibility to, 1. Also called: Myoclonic Epilepsy, Juvenile, 1; EJM1. Identifiers: MedGen C1850778, MONDO:0020752, OMIM 254770.

Allele frequency attached by ClinVar (database versions not stated): TOPMed 0.00001; gnomAD 0.00002.
gnomAD v4.1: 6 of 1,613,832 alleles (0.00037%); highest among the groups gnomAD compares: Non-Finnish European, 0.00051%; no homozygotes.

Submission:

Labcorp Genetics (formerly Invitae), Labcorp
Classification: Uncertain significance for Myoclonic epilepsy, juvenile, susceptibility to, 1; Absence seizure. Last evaluated: 2024-10-30. Review status: criteria provided, single submitter. Criteria: Invitae Variant Classification Sherloc (09022015). Collection method: clinical testing. Allele origin: germline.
Comment: This sequence change replaces threonine, which is neutral and polar, with isoleucine, which is neutral and non-polar, at codon 190 of the EFHC1 protein (p.Thr190Ile). This variant is not present in population databases (gnomAD no frequency). This variant has not been reported in the literature in individuals affected with EFHC1-related conditions. ClinVar contains an entry for this variant (Variation ID: 1037327). Invitae Evidence Modeling of protein sequence and biophysical properties (such as structural, functional, and spatial information, amino acid conservation, physicochemical variation, residue mobility, and thermodynamic stability) indicates that this missense variant is expected to disrupt EFHC1 protein function with a positive predictive value of 80%. In summary, the available evidence is currently insufficient to determine the role of this variant in disease. Therefore, it has been classified as a Variant of Uncertain Significance.